The following is an entry in ClinVar:

ClinVar aggregate classification (germline): Uncertain significance. Review status: reviewed by expert panel (3 of 4 stars). 2 submissions from 2 submitters: Uncertain significance (1). 1 of the submissions does not count toward it. Last evaluated 2024-07-11.

Conditions:
Hereditary thrombocytopenia and hematological cancer predisposition syndrome associated with RUNX1. Also called: Familial Platelet Disorder with Propensity to Acute Myelogenous Leukemia; Familial thrombocytopenia with propensity to acute myelogenous leukemia; PLATELET DISORDER, ASPIRIN-LIKE; RUNX1 Familial Platelet Disorder with Associated Myeloid Malignancies. Identifiers: Orphanet 71290, MedGen C1832388, MeSH C563324, MONDO:0100083, OMIM 601399.
Hereditary thrombocytopenia and hematologic cancer predisposition syndrome. Identifiers: Orphanet 71290, MedGen CN281654, MONDO:0011071.

Submissions (2):

ClinGen Myeloid Malignancy Variant Curation Expert Panel
Classification: Uncertain significance for Hereditary thrombocytopenia and hematologic cancer predisposition syndrome. Last evaluated: 2024-07-11. Review status: reviewed by expert panel. Criteria: ClinGen MyeloMalig ACMG Specifications v2. Collection method: curation. Allele origin: germline. Inheritance: Autosomal dominant inheritance.
Comment: NM_001754.5(RUNX1):c.133_135del (p.Thr45del) is an inframe deletion which does not affect a known functional domain. This variant is completely absent from all population databases with at least 20x coverage for RUNX1 (PM2_Supporting). In summary, the clinical significance of this variant is uncertain. ACMG/AMP criteria applied, as specified by the Myeloid Malignancy Variant Curation Expert Panel for RUNX1: PM2_supporting.

Labcorp Genetics (formerly Invitae), Labcorp
Classification: Uncertain significance for Hereditary thrombocytopenia and hematological cancer predisposition syndrome associated with RUNX1. Last evaluated: 2021-10-28. Review status: criteria provided, single submitter. Criteria: Invitae Variant Classification Sherloc (09022015). Collection method: clinical testing. Allele origin: germline. Not counted in ClinVar's aggregate classification.
Comment: In summary, the available evidence is currently insufficient to determine the role of this variant in disease. Therefore, it has been classified as a Variant of Uncertain Significance. Experimental studies and prediction algorithms are not available or were not evaluated, and the functional significance of this variant is currently unknown. This variant has not been reported in the literature in individuals affected with RUNX1-related conditions. This variant is not present in population databases (gnomAD no frequency). This variant, c.133_135del, results in the deletion of 1 amino acid(s) of the RUNX1 protein (p.Thr45del), but otherwise preserves the integrity of the reading frame.

NM_001754.5(RUNX1):c.133_135del (p.Thr45del)

Gene: RUNX1 (RUNX family transcription factor 1; minus strand). Cytogenetic location: 21q22.12.
Variant type: Deletion.
Coding change: c.133_135del on transcript NM_001754.5 (MANE Select); coding-DNA positions 133 to 135, 3 bases deleted (ACC; older notation c.133_135delACC).
Protein change: p.Thr45del; deletes threonine 45.
Molecular consequence: inframe deletion.
Genome position (GRCh38, 1-based): chr21:34,887,059-34,887,061, GGT deleted on the plus strand (ACC on the coding strand, the reverse complement: RUNX1 is on the minus strand); deleting any 3 consecutive bases within chr21:34,887,059-34,887,063 gives the same sequence; the c. name uses the placement nearest the transcript's 3' end. VCF-style (leftmost placement, unchanged base first): chr21-34887058-CGGT-C. GRCh37 (hg19) VCF-style: chr21-36259355-CGGT-C.
Other names: NM_001754.5(RUNX1):c.133_135del; p.Thr45del; c.52_54del, p.Thr18del (NM_001001890.3, NM_001122607.2); short protein forms T18del, T45del.
Identifiers: ClinVar variation 1389496 (VCV001389496.7), dbSNP rs2146414026, ClinGen allele CA2573157368.